The following is an entry in ClinVar:

ClinVar aggregate classification (germline): Benign (1 of 4 stars; one submission).

Conditions:
Intellectual developmental disorder, X-linked 21. Also called: MENTAL RETARDATION, X-LINKED 34; Mental retardation, X-linked 21/34; Intellectual disability, X-linked 21. Identifiers: Orphanet 777, MedGen C5551510, MONDO:0010256, OMIM 300143.

Allele frequency attached by ClinVar (database versions not stated): gnomAD 0.00962 and 0.00904; TOPMed 0.01054; 1000 Genomes Project 30x 0.01082; 1000 Genomes Project 0.01086.

Submission:

Illumina Laboratory Services, Illumina
Classification: Benign for Intellectual developmental disorder, X-linked 21. Last evaluated: 2018-01-12. Review status: criteria provided, single submitter. Criteria: ICSL Variant Classification Criteria 13 December 2019. Collection method: clinical testing. Allele origin: germline.
Comment: This variant was observed in the ICSL laboratory as part of a predisposition screen in an ostensibly healthy population. It had not been previously curated by ICSL or reported in the Human Gene Mutation Database (HGMD: prior to June 1st, 2018), and was therefore a candidate for classification through an automated scoring system. Utilizing variant allele frequency, disease prevalence and penetrance estimates, and inheritance mode, an automated score was calculated to assess if this variant is too frequent to cause the disease. Based on the score and internal cut-off values, a variant classified as benign is not then subjected to further curation. The score for this variant resulted in a classification of benign for this disease.

NM_014271.4(IL1RAPL1):c.-39G>A

Gene: IL1RAPL1 (interleukin 1 receptor accessory protein like 1; plus strand). Cytogenetic location: Xp21.3.
Variant type: single nucleotide variant.
Coding change: c.-39G>A on transcript NM_014271.4 (MANE Select); 39 bases upstream of the start codon, G replaced by A.
Molecular consequence: 5 prime UTR variant.
Genome position (GRCh38, 1-based): chrX:28,588,033, G>A. VCF-style: chrX-28588033-G-A. GRCh37 (hg19) VCF-style: chrX-28606150-G-A.
Identifiers: ClinVar variation 368186 (VCV000368186.5), dbSNP rs143054072, ClinGen allele CA10654296.
Genomic context (GRCh38, chrX:28,588,033, plus strand): 5'-AATACGCATTGTGATGACCAGCAATTACCTTACCGACTAATATCCAGAGGAGAATAATTT[G>A]GAAGACTGTTGTGGGTAAGGTCATTTTATATATGCAAACCCATCAGTGGCATGAGCAAAC-3'